The following is an entry in ClinVar:

NM_001114753.3(ENG):c.1153del (p.Thr385fs)

Genes: ENG (endoglin; minus strand), LOC102723566 (uncharacterized LOC102723566; plus strand). Cytogenetic location: 9q34.11.
Variant type: Deletion.
Coding change: c.1153del on transcript NM_001114753.3 (MANE Select); coding-DNA position 1153, one base deleted (A; older notation c.1153delA).
Protein change: p.Thr385fs; shifts the reading frame from threonine 385.
Molecular consequence: frameshift variant.
Genome position (GRCh38, 1-based): chr9:127,820,019, T deleted on the plus strand (A on the coding strand, the reverse complement: ENG is on the minus strand). VCF-style (leftmost placement, unchanged base first): chr9-127820018-GT-G. GRCh37 (hg19) VCF-style: chr9-130582297-GT-G.
Other names: c.1153delA, p.Thr385Argfs (NM_000118.4); c.607del, p.Thr203fs (NM_001278138.2); short protein forms T203fs, T385fs.
Identifiers: ClinVar variation 1320178 (VCV001320178.3), dbSNP rs2131879343, ClinGen allele CA2573053098.

ClinVar aggregate classification (germline): Likely pathogenic (1 of 4 stars; one submission).

Conditions:
Telangiectasia, hereditary hemorrhagic, type 1 (HHT1). Also called: Osler Weber Rendu syndrome type 1; ENG-Related Hereditary Hemorrhagic Telangiectasia. Identifiers: Orphanet 774, MedGen C4551861, MONDO:0008535, OMIM 187300. Disease mechanism: loss of function.

Submission:

3billion
Classification: Likely pathogenic for Telangiectasia, hereditary hemorrhagic, type 1. Last evaluated: 2021-10-02. Review status: criteria provided, single submitter. Criteria: ACMG Guidelines, 2015. Collection method: clinical testing. Allele origin: unknown. Affected: yes. Observed: 1 heterozygote.
Comment: Frameshift: predicted to result in a loss or disruption of normal protein function through nonsense-mediated decay (NMD) or protein truncation. Multiple pathogenic variants are reported downstream of the variant (PVS1_VS). It is not observed in the gnomAD v2.1.1 dataset (PM2). Therefore, this variant is classified as likely pathogenic according to the recommendation of ACMG/AMP guideline.